The following is an entry in ClinVar:

NM_207346.3(TSEN54):c.1190C>T (p.Ala397Val)

Gene: TSEN54 (tRNA splicing endonuclease subunit 54; plus strand). Cytogenetic location: 17q25.1.
Variant type: single nucleotide variant.
Coding change: c.1190C>T on transcript NM_207346.3 (MANE Select); coding-DNA position 1190, C replaced by T.
Protein change: p.Ala397Val; replaces alanine 397 with valine.
Molecular consequence: missense variant.
Genome position (GRCh38, 1-based): chr17:75,522,271, C>T. VCF-style: chr17-75522271-C-T. GRCh37 (hg19) VCF-style: chr17-73518352-C-T.
Other names: short protein forms A397V.
Identifiers: ClinVar variation 2011856 (VCV002011856.4), dbSNP rs1276585533, ClinGen allele CA401030000.

ClinVar aggregate classification (germline): Uncertain significance (1 of 4 stars; one submission).

Submission:

Labcorp Genetics (formerly Invitae), Labcorp
Classification: Uncertain significance. Last evaluated: 2022-06-28. Review status: criteria provided, single submitter. Criteria: Invitae Variant Classification Sherloc (09022015). Collection method: clinical testing. Allele origin: germline.
Comment: In summary, the available evidence is currently insufficient to determine the role of this variant in disease. Therefore, it has been classified as a Variant of Uncertain Significance. Algorithms developed to predict the effect of missense changes on protein structure and function are either unavailable or do not agree on the potential impact of this missense change (SIFT: "Deleterious"; PolyPhen-2: "Benign"; Align-GVGD: "Class C0"). This variant has not been reported in the literature in individuals affected with TSEN54-related conditions. This variant is not present in population databases (gnomAD no frequency). This sequence change replaces alanine, which is neutral and non-polar, with valine, which is neutral and non-polar, at codon 397 of the TSEN54 protein (p.Ala397Val).